The following is an entry in ClinVar:

NM_016239.4(MYO15A):c.1271del (p.Pro424fs)

Gene: MYO15A (myosin XVA; plus strand). Cytogenetic location: 17p11.2.
Variant type: Deletion.
Coding change: c.1271del on transcript NM_016239.4 (MANE Select); coding-DNA position 1271, one base deleted (C; older notation c.1271delC).
Protein change: p.Pro424fs; shifts the reading frame from proline 424.
Molecular consequence: frameshift variant.
Genome position (GRCh38, 1-based): chr17:18,120,071, C deleted; the last of 3 consecutive C bases (chr17:18,120,069-18,120,071); deleting any one gives the same sequence. VCF-style (leftmost placement, unchanged base first): chr17-18120068-AC-A. GRCh37 (hg19) VCF-style: chr17-18023382-AC-A.
Other names: short protein forms P424fs.
Identifiers: ClinVar variation 3601304 (VCV003601304.1).

ClinVar aggregate classification (germline): Pathogenic (1 of 4 stars; one submission).

Conditions:
Autosomal recessive nonsyndromic hearing loss 3. Also called: NEUROSENSORY NONSYNDROMIC RECESSIVE DEAFNESS 3. Identifiers: Orphanet 90636, MedGen C1838263, MONDO:0010860, OMIM 600316.

Submission:

Institute of Rare Diseases, West China Hospital, Sichuan University
Classification: Pathogenic for Autosomal recessive nonsyndromic hearing loss 3. Last evaluated: 2025-01-09. Review status: criteria provided, single submitter. Criteria: ClinGen HL ACMG Specifications v1. Collection method: research. Allele origin: germline. Affected: yes.
Comment: PVS1;PM3;PM2_Supporting